The following is an entry in ClinVar:

NM_002227.4(JAK1):c.2181C>G (p.Ile727Met)

Gene: JAK1 (Janus kinase 1; minus strand). Cytogenetic location: 1p31.3.
Variant type: single nucleotide variant.
Coding change: c.2181C>G on transcript NM_002227.4 (MANE Select); coding-DNA position 2181, C replaced by G.
Protein change: p.Ile727Met; replaces isoleucine 727 with methionine.
Molecular consequence: missense variant.
Genome position (GRCh38, 1-based): chr1:64,844,824, G>C on the plus strand (C>G on the coding strand, the complement: JAK1 is on the minus strand). VCF-style: chr1-64844824-G-C. GRCh37 (hg19) VCF-style: chr1-65310507-G-C.
Other names: c.2181C>G, p.Ile727Met (NM_001320923.2, NM_001321852.2, NM_001321853.2 and 3 more transcripts); c.2178C>G, p.Ile726Met (NM_001321857.2); short protein forms I727M, I726M.
Identifiers: ClinVar variation 2179778 (VCV002179778.5), dbSNP rs750933573, ClinGen allele CA23903118.

ClinVar aggregate classification (germline): Uncertain significance. Review status: criteria provided, multiple submitters, no conflicts (2 of 4 stars). 2 submissions from 2 submitters: Uncertain significance (2). Last evaluated 2024-10-15.

Conditions:
Autoinflammation, immune dysregulation, and eosinophilia. Also called: ATOPIC DERMATITIS, ENTERITIS, COLITIS, AND EOSINOPHILIA. Identifiers: MedGen C5436572, MONDO:0033558, OMIM 618999.

gnomAD v4.1: 8 of 1,614,068 alleles (0.0005%); highest among the groups gnomAD compares: African/African-American, 0.0093%; no homozygotes.

Submissions (2):

Labcorp Genetics (formerly Invitae), Labcorp
Classification: Uncertain significance. Last evaluated: 2024-10-15. Review status: criteria provided, single submitter. Criteria: Invitae Variant Classification Sherloc (09022015). Collection method: clinical testing. Allele origin: germline.
Comment: This sequence change replaces isoleucine, which is neutral and non-polar, with methionine, which is neutral and non-polar, at codon 727 of the JAK1 protein (p.Ile727Met). This variant is present in population databases (no rsID available, gnomAD 0.01%). This variant has not been reported in the literature in individuals affected with JAK1-related conditions. ClinVar contains an entry for this variant (Variation ID: 2179778). Invitae Evidence Modeling of protein sequence and biophysical properties (such as structural, functional, and spatial information, amino acid conservation, physicochemical variation, residue mobility, and thermodynamic stability) indicates that this missense variant is not expected to disrupt JAK1 protein function with a negative predictive value of 80%. In summary, the available evidence is currently insufficient to determine the role of this variant in disease. Therefore, it has been classified as a Variant of Uncertain Significance.

Laboratorio de Genetica e Diagnostico Molecular, Hospital Israelita Albert Einstein
Classification: Uncertain significance for Autoinflammation, immune dysregulation, and eosinophilia. Last evaluated: 2024-05-27. Review status: criteria provided, single submitter. Criteria: ACMG Guidelines, 2015. Collection method: clinical testing. Allele origin: germline. Affected: yes.
Comment: ACMG classification criteria: PM2 supporting, PP2 supporting, BP4 supporting